The following is an entry in ClinVar:

ClinVar aggregate classification (germline): Likely pathogenic (1 of 4 stars; one submission).

Submission:

Labcorp Genetics (formerly Invitae), Labcorp
Classification: Likely pathogenic. Last evaluated: 2024-08-26. Review status: criteria provided, single submitter. Criteria: Invitae Variant Classification Sherloc (09022015). Collection method: clinical testing. Allele origin: germline.
Comment: This sequence change creates a premature translational stop signal (p.Val612Alafs*9) in the COL10A1 gene. While this is not anticipated to result in nonsense mediated decay, it is expected to disrupt the last 69 amino acid(s) of the COL10A1 protein. This variant is not present in population databases (gnomAD no frequency). This variant has not been reported in the literature in individuals affected with COL10A1-related conditions. ClinVar contains an entry for this variant (Variation ID: 857703). This variant is located in a region of the COL10A1 protein where a significant number of COL10A1 nonsense and frameshift mutations have been reported in association with autosomal dominant metaphyseal chondrodysplasia (PMID: 21447328, 33764685, 36400164). In summary, the currently available evidence indicates that the variant is pathogenic, but additional data are needed to prove that conclusively. Therefore, this variant has been classified as Likely Pathogenic.

Literature cited by the submitters: PubMed 21447328; PubMed 33764685; PubMed 36400164.

NM_000493.4(COL10A1):c.1835_1838del (p.Val612fs)

Genes: COL10A1 (collagen type X alpha 1 chain; minus strand), NT5DC1 (5'-nucleotidase domain containing 1; plus strand). Cytogenetic location: 6q22.1.
Variant type: Deletion.
Coding change: c.1835_1838del on transcript NM_000493.4 (MANE Select); coding-DNA positions 1835 to 1838, 4 bases deleted (TAGG; older notation c.1835_1838delTAGG).
Protein change: p.Val612fs; shifts the reading frame from valine 612.
Molecular consequence: frameshift variant. On other transcripts: intron variant (1).
Genome position (GRCh38, 1-based): chr6:116,120,278-116,120,281, CCTA deleted on the plus strand (TAGG on the coding strand, the reverse complement: COL10A1 is on the minus strand); deleting any 4 consecutive bases within chr6:116,120,278-116,120,283 gives the same sequence; the c. name uses the placement nearest the transcript's 3' end. VCF-style (leftmost placement, unchanged base first): chr6-116120277-GCCTA-G. GRCh37 (hg19) VCF-style: chr6-116441440-GCCTA-G.
Other names: c.1835_1838del, p.Val612fs (NM_001424106.1, NM_001424107.1); c.529+2335_529+2338del (NM_152729.3); short protein forms V612fs.
Identifiers: ClinVar variation 857703 (VCV000857703.8), dbSNP rs1779073142, ClinGen allele CA916082894.